The following is an entry in ClinVar:

NM_015512.5(DNAH1):c.7061C>A (p.Thr2354Asn)

Gene: DNAH1 (dynein axonemal heavy chain 1; plus strand). Cytogenetic location: 3p21.1.
Variant type: single nucleotide variant.
Coding change: c.7061C>A on transcript NM_015512.5 (MANE Select); coding-DNA position 7061, C replaced by A.
Protein change: p.Thr2354Asn; replaces threonine 2354 with asparagine.
Molecular consequence: missense variant.
Genome position (GRCh38, 1-based): chr3:52,375,315, C>A. VCF-style: chr3-52375315-C-A. GRCh37 (hg19) VCF-style: chr3-52409331-C-A.
Other names: short protein forms T2354N.
Identifiers: ClinVar variation 3755233 (VCV003755233.2).
Genomic context (GRCh38, chr3:52,375,315, plus strand): 5'-TAGTGGACATCAACTTTGTCTGTGCCATGGGCCCCCCGGGTGGAGGCAGGAACACCGTCA[C>A]CCCGCGGCTGATGCGTCACTTCAACTACCTGTCTTTCGCTGAGATGGACGAGGTCAGCAA-3'
Protein context (NP_056327.4, residues 2344-2364): GPPGGGRNTV[Thr2354Asn]PRLMRHFNYL

ClinVar aggregate classification (germline): Uncertain significance (1 of 4 stars; one submission).

Conditions:
Spermatogenic failure 18. Identifiers: MedGen C4539783, MONDO:0054615, OMIM 617576.
Ciliary dyskinesia, primary, 37 (CILD37). Also called: CILIARY DYSKINESIA, PRIMARY, 37, WITH OR WITHOUT SITUS INVERSUS. Identifiers: MedGen C4539798, MONDO:0033204, OMIM 617577.

Submission:

Labcorp Genetics (formerly Invitae), Labcorp
Classification: Uncertain significance for Ciliary dyskinesia, primary, 37; Spermatogenic failure 18. Last evaluated: 2024-04-07. Review status: criteria provided, single submitter. Criteria: Invitae Variant Classification Sherloc (09022015). Collection method: clinical testing. Allele origin: germline.
Comment: This sequence change replaces threonine, which is neutral and polar, with asparagine, which is neutral and polar, at codon 2354 of the DNAH1 protein (p.Thr2354Asn). This variant is not present in population databases (gnomAD no frequency). This variant has not been reported in the literature in individuals affected with DNAH1-related conditions. Advanced modeling of protein sequence and biophysical properties (such as structural, functional, and spatial information, amino acid conservation, physicochemical variation, residue mobility, and thermodynamic stability) performed at Invitae indicates that this missense variant is not expected to disrupt DNAH1 protein function with a negative predictive value of 80%. In summary, the available evidence is currently insufficient to determine the role of this variant in disease. Therefore, it has been classified as a Variant of Uncertain Significance.